The following is an entry in ClinVar:

ClinVar aggregate classification (germline): Pathogenic/Likely pathogenic. Review status: criteria provided, multiple submitters, no conflicts (2 of 4 stars). 2 submissions from 2 submitters: Pathogenic (1); Likely pathogenic (1). Last evaluated 2023-10-15.

Conditions:
Polyglandular autoimmune syndrome, type 1 (APS1). Also called: Autoimmune polyendocrinopathy syndrome, type I; Autoimmune polyendocrinopathy syndrome , type I, with or without reversible metaphyseal dysplasia; HYPOADRENOCORTICISM WITH HYPOPARATHYROIDISM AND SUPERFICIAL MONILIASIS; Autoimmune polyendocrine syndrome type 1; AUTOIMMUNE POLYENDOCRINE SYNDROME, TYPE I, WITH OR WITHOUT REVERSIBLE METAPHYSEAL DYSPLASIA; PGA I. Identifiers: Orphanet 3453, MedGen C0085859, MONDO:0009411, OMIM 240300.

Allele frequency attached by ClinVar (database versions not stated): gnomAD exomes below 0.00001; TOPMed 0.00001.
gnomAD v4.1: 1 of 1,479,200 alleles (0.000068%); highest among the groups gnomAD compares: East Asian, 0.0025%; no homozygotes.

Submissions (2):

Labcorp Genetics (formerly Invitae), Labcorp
Classification: Likely pathogenic for Polyglandular autoimmune syndrome, type 1. Last evaluated: 2023-10-15. Review status: criteria provided, single submitter. Criteria: Invitae Variant Classification Sherloc (09022015). Collection method: clinical testing. Allele origin: germline.
Comment: This sequence change affects a donor splice site in intron 12 of the AIRE gene. It is expected to disrupt RNA splicing. Variants that disrupt the donor or acceptor splice site typically lead to a loss of protein function (PMID: 16199547), and loss-of-function variants in AIRE are known to be pathogenic (PMID: 11524731, 26141571). This variant is not present in population databases (gnomAD no frequency). This variant has not been reported in the literature in individuals affected with AIRE-related conditions. ClinVar contains an entry for this variant (Variation ID: 861267). Algorithms developed to predict the effect of sequence changes on RNA splicing suggest that this variant may disrupt the consensus splice site. In summary, the currently available evidence indicates that the variant is pathogenic, but additional data are needed to prove that conclusively. Therefore, this variant has been classified as Likely Pathogenic.

National Institute of Allergy and Infectious Diseases - Centralized Sequencing Program, National Institutes of Health
Classification: Pathogenic for APECED. Last evaluated: 2023-09-14. Review status: criteria provided, single submitter. Criteria: ACMG Guidelines, 2015. Collection method: clinical testing. Allele origin: germline. Affected: yes.

Literature cited by the submitters: PubMed 16199547 (cited by Labcorp Genetics (formerly Invitae), Labcorp); PubMed 11524731 (cited by Labcorp Genetics (formerly Invitae), Labcorp); PubMed 26141571 (cited by Labcorp Genetics (formerly Invitae), Labcorp).

NM_000383.4(AIRE):c.1503+1G>T

Gene: AIRE (autoimmune regulator; plus strand). Cytogenetic location: 21q22.3.
Variant type: single nucleotide variant.
Coding change: c.1503+1G>T on transcript NM_000383.4 (MANE Select); the canonical splice donor site of the intron after coding-DNA position 1503, G replaced by T.
Molecular consequence: splice donor variant.
Genome position (GRCh38, 1-based): chr21:44,294,504, G>T. VCF-style: chr21-44294504-G-T. GRCh37 (hg19) VCF-style: chr21-45714387-G-T.
Identifiers: ClinVar variation 861267 (VCV000861267.10), dbSNP rs1156582406, ClinGen allele CA410426045.
Genomic context (GRCh38, chr21:44,294,504, plus strand): 5'-GCCCCTGTGGAGGGGGTGCTGGCCCCCAGCCCCGCCCGCCTGGCCCCTGGGCCTGCCAAG[G>T]TCAGTGCCGCAGGGGCCCTCCATGCATGCCGGTGCTGGGGGTGGGGAACCCCTTGGGTTG-3'